The following is an entry in ClinVar:

ClinVar aggregate classification (germline): Uncertain significance (1 of 4 stars; one submission).

Conditions:
Neuroblastoma, susceptibility to, 3. Also called: ALK-Related Neuroblastic Tumor Susceptibility. Identifiers: Orphanet 635, MedGen C2751681, MONDO:0013083, OMIM 613014.

Allele frequency attached by ClinVar (database versions not stated): gnomAD exomes below 0.00001; ESP Exome Variant Server 0.00008.
gnomAD v4.1: 5 of 1,613,732 alleles (0.00031%); highest among the groups gnomAD compares: South Asian, 0.0011%; no homozygotes.

Submission:

Labcorp Genetics (formerly Invitae), Labcorp
Classification: Uncertain significance for Neuroblastoma, susceptibility to, 3. Last evaluated: 2025-12-14. Review status: criteria provided, single submitter. Criteria: Invitae Variant Classification Sherloc (09022015). Collection method: clinical testing. Allele origin: germline.
Comment: This sequence change falls in intron 4 of the ALK gene. It does not directly change the encoded amino acid sequence of the ALK protein. This variant is not present in population databases (gnomAD no frequency). This variant has not been reported in the literature in individuals affected with ALK-related conditions. ClinVar contains an entry for this variant (Variation ID: 569871). Algorithms developed to predict the effect of sequence changes on RNA splicing suggest that this variant may disrupt the consensus splice site. In summary, the available evidence is currently insufficient to determine the role of this variant in disease. Therefore, it has been classified as a Variant of Uncertain Significance.

NM_004304.5(ALK):c.1155-10A>G

Gene: ALK (ALK receptor tyrosine kinase; minus strand). Cytogenetic location: 2p23.2.
Variant type: single nucleotide variant.
Coding change: c.1155-10A>G on transcript NM_004304.5 (MANE Select); 10 bases into the intron before coding-DNA position 1155, A replaced by G.
Molecular consequence: intron variant.
Genome position (GRCh38, 1-based): chr2:29,383,869, T>C on the plus strand (A>G on the coding strand, the complement: ALK is on the minus strand). VCF-style: chr2-29383869-T-C. GRCh37 (hg19) VCF-style: chr2-29606735-T-C.
Identifiers: ClinVar variation 569871 (VCV000569871.8), dbSNP rs373017069, ClinGen allele CA44939741.